The following is an entry in ClinVar:

NM_001370259.2(MEN1):c.1419G>A (p.Glu473=)

Gene: MEN1 (menin 1; minus strand). Cytogenetic location: 11q13.1.
Variant type: single nucleotide variant.
Coding change: c.1419G>A on transcript NM_001370259.2 (MANE Select); coding-DNA position 1419, G replaced by A.
Protein change: p.Glu473=; no amino-acid change (glutamic acid 473 retained).
Molecular consequence: synonymous variant.
Genome position (GRCh38, 1-based): chr11:64,804,748, C>T on the plus strand (G>A on the coding strand, the complement: MEN1 is on the minus strand). VCF-style: chr11-64804748-C-T. GRCh37 (hg19) VCF-style: chr11-64572220-C-T.
Other names: c.1434G>A, p.Glu478= (NM_000244.4, NM_130800.3, NM_130801.3 and 3 more transcripts); c.1545G>A, p.Glu515= (NM_001370251.2); c.1419G>A, p.Glu473= (NM_001370260.2, NM_001370261.2, NM_130799.3); c.1314G>A, p.Glu438= (NM_001370262.2, NM_001370263.2).
Identifiers: ClinVar variation 1667784 (VCV001667784.9), dbSNP rs2136091112, ClinGen allele CA475163410.

ClinVar aggregate classification (germline): Benign/Likely benign. Review status: criteria provided, multiple submitters, no conflicts (2 of 4 stars). 2 submissions from 2 submitters: Benign (1); Likely benign (1). Last evaluated 2024-11-05.

Conditions:
Multiple endocrine neoplasia, type 1 (MEN1). Also called: MEA I; MEN I; WERMER SYNDROME; Endocrine adenomatosis multiple; MEN 1. Identifiers: Orphanet 652, MedGen C0025267, MeSH D018761, MONDO:0007540, OMIM 131100.

Submissions (2):

Myriad Genetics, Inc.
Classification: Benign for Multiple endocrine neoplasia, type 1. Last evaluated: 2024-11-05. Review status: criteria provided, single submitter. Criteria: Myriad Autosomal Dominant, Autosomal Recessive and X-Linked Classification Criteria (2023). Collection method: clinical testing. Allele origin: unknown.
Comment: This variant is considered benign. This variant is a silent/synonymous amino acid change and it is not expected to impact splicing.

Labcorp Genetics (formerly Invitae), Labcorp
Classification: Likely benign for Multiple endocrine neoplasia, type 1. Last evaluated: 2020-12-30. Review status: criteria provided, single submitter. Criteria: Invitae Variant Classification Sherloc (09022015). Collection method: clinical testing. Allele origin: germline.